The following continues an entry in ClinVar:

NM_022168.4(IFIH1):c.1641+1G>C

Gene: IFIH1. ClinVar aggregate classification (germline): Conflicting classifications of pathogenicity. Uncertain significance (6); Benign (4); Likely benign (1).

Submissions 12 to 42 of 85:

Department of Pathology and Laboratory Medicine, Sinai Health System
Classification: Benign. Review status: no assertion criteria provided. Collection method: clinical testing. Allele origin: unknown. Affected: yes. Study: The Canadian Open Genetics Repository (COGR). Not counted in ClinVar's aggregate classification.
Comment: The IFIH1 c.1641+1G>C variant was identified in the literature found to be associated with Type 1 Diabetes in a large case-control study (Nejentsev_2009_PMID:19264985). The variant was identified in dbSNP (ID: rs35337543), LOVD 3.0 (classified as likely benign and a VUS) and ClinVar (classified as benign by Prevention Genetics and Invitae, as uncertain significance by Center for Genomics, Ann and Robert H. Lurie Children's Hospital of Chicago and as likely pathogenic by CeGaT Praxis fuer Humangenetik Tuebingen). The variant was not identified in other databases. The variant was identified in control databases in 1888 of 281368 chromosomes (7 homozygous) at a frequency of 0.00671 increasing the likelihood this could be a low frequency benign variant (Genome Aggregation Database March 6, 2019, v2.1.1). The variant was observed in the following populations: European (non-Finnish) in 1379 of 128286 chromosomes (freq: 0.01075), Latino in 332 of 35158 chromosomes (freq: 0.009443), Other in 66 of 7164 chromosomes (freq: 0.009213), African in 70 of 24914 chromosomes (freq: 0.00281), Ashkenazi Jewish in 13 of 10352 chromosomes (freq: 0.001256), South Asian in 16 of 30490 chromosomes (freq: 0.000525), European (Finnish) in 11 of 25070 chromosomes (freq: 0.000439), and East Asian in 1 of 19934 chromosomes (freq: 0.00005). The c.1641+1G>C variant is predicted to cause abnormal splicing because the nucleotide substitution occurs in the invariant region of the splice consensus sequence. Further, functional analysis of IFIH1 RNA has demonstrated aberrant splicing of the IFIH1 transcript with the c.1641+1G>C variant (Downes_2010_PMID:20844740). However, exon skipping due to loss of the splice consensus sequence is predicted to preserve the reading frame. In summary, based on the above information this variant meets our laboratory's criteria to be classified as benign.

Dr. Peter K. Rogan Lab, Western University
No classification provided (evidence only). Condition: Clear cell carcinoma of kidney. Review status: no classification provided. Collection method: in vitro. Allele origin: not applicable. Functional consequence: skipped exon. Not counted in ClinVar's aggregate classification.

Dr. Peter K. Rogan Lab, Western University
No classification provided (evidence only). Condition: Clear cell carcinoma of kidney. Review status: no classification provided. Collection method: in vitro. Allele origin: not applicable. Functional consequence: skipped exon. Not counted in ClinVar's aggregate classification.

Dr. Peter K. Rogan Lab, Western University
No classification provided (evidence only). Condition: Clear cell carcinoma of kidney. Review status: no classification provided. Collection method: in vitro. Allele origin: not applicable. Functional consequence: skipped exon. Not counted in ClinVar's aggregate classification.

Dr. Peter K. Rogan Lab, Western University
No classification provided (evidence only). Condition: Clear cell carcinoma of kidney. Review status: no classification provided. Collection method: in vitro. Allele origin: not applicable. Functional consequence: skipped exon. Not counted in ClinVar's aggregate classification.

Dr. Peter K. Rogan Lab, Western University
No classification provided (evidence only). Condition: Clear cell carcinoma of kidney. Review status: no classification provided. Collection method: in vitro. Allele origin: not applicable. Functional consequence: skipped exon, retained intron. Not counted in ClinVar's aggregate classification.

Dr. Peter K. Rogan Lab, Western University
No classification provided (evidence only). Condition: Clear cell carcinoma of kidney. Review status: no classification provided. Collection method: in vitro. Allele origin: not applicable. Functional consequence: skipped exon. Not counted in ClinVar's aggregate classification.

Dr. Peter K. Rogan Lab, Western University
No classification provided (evidence only). Condition: Clear cell carcinoma of kidney. Review status: no classification provided. Collection method: in vitro. Allele origin: not applicable. Functional consequence: skipped exon. Not counted in ClinVar's aggregate classification.

Dr. Peter K. Rogan Lab, Western University
No classification provided (evidence only). Condition: Clear cell carcinoma of kidney. Review status: no classification provided. Collection method: in vitro. Allele origin: not applicable. Functional consequence: skipped exon, retained intron. Not counted in ClinVar's aggregate classification.

Dr. Peter K. Rogan Lab, Western University
No classification provided (evidence only). Condition: Clear cell carcinoma of kidney. Review status: no classification provided. Collection method: in vitro. Allele origin: not applicable. Functional consequence: skipped exon. Not counted in ClinVar's aggregate classification.

Dr. Peter K. Rogan Lab, Western University
No classification provided (evidence only). Condition: Clear cell carcinoma of kidney. Review status: no classification provided. Collection method: in vitro. Allele origin: not applicable. Functional consequence: skipped exon. Not counted in ClinVar's aggregate classification.

Dr. Peter K. Rogan Lab, Western University
No classification provided (evidence only). Condition: Lung cancer. Review status: no classification provided. Collection method: in vitro. Allele origin: not applicable. Functional consequence: skipped exon. Not counted in ClinVar's aggregate classification.

Dr. Peter K. Rogan Lab, Western University
No classification provided (evidence only). Condition: Lung cancer. Review status: no classification provided. Collection method: in vitro. Allele origin: not applicable. Functional consequence: skipped exon. Not counted in ClinVar's aggregate classification.

Dr. Peter K. Rogan Lab, Western University
No classification provided (evidence only). Condition: Lung cancer. Review status: no classification provided. Collection method: in vitro. Allele origin: not applicable. Functional consequence: skipped exon. Not counted in ClinVar's aggregate classification.

Dr. Peter K. Rogan Lab, Western University
No classification provided (evidence only). Condition: Lung cancer. Review status: no classification provided. Collection method: in vitro. Allele origin: not applicable. Functional consequence: skipped exon. Not counted in ClinVar's aggregate classification.

Dr. Peter K. Rogan Lab, Western University
No classification provided (evidence only). Condition: Lung cancer. Review status: no classification provided. Collection method: in vitro. Allele origin: not applicable. Functional consequence: skipped exon. Not counted in ClinVar's aggregate classification.

Dr. Peter K. Rogan Lab, Western University
No classification provided (evidence only). Condition: Melanoma. Review status: no classification provided. Collection method: in vitro. Allele origin: not applicable. Functional consequence: skipped exon. Not counted in ClinVar's aggregate classification.

Dr. Peter K. Rogan Lab, Western University
No classification provided (evidence only). Condition: Melanoma. Review status: no classification provided. Collection method: in vitro. Allele origin: not applicable. Functional consequence: skipped exon. Not counted in ClinVar's aggregate classification.

Dr. Peter K. Rogan Lab, Western University
No classification provided (evidence only). Condition: Melanoma. Review status: no classification provided. Collection method: in vitro. Allele origin: not applicable. Functional consequence: skipped exon, retained intron. Not counted in ClinVar's aggregate classification.

Dr. Peter K. Rogan Lab, Western University
No classification provided (evidence only). Condition: Melanoma. Review status: no classification provided. Collection method: in vitro. Allele origin: not applicable. Functional consequence: skipped exon. Not counted in ClinVar's aggregate classification.

Dr. Peter K. Rogan Lab, Western University
No classification provided (evidence only). Condition: Melanoma. Review status: no classification provided. Collection method: in vitro. Allele origin: not applicable. Functional consequence: skipped exon. Not counted in ClinVar's aggregate classification.

Dr. Peter K. Rogan Lab, Western University
No classification provided (evidence only). Condition: Melanoma. Review status: no classification provided. Collection method: in vitro. Allele origin: not applicable. Functional consequence: skipped exon. Not counted in ClinVar's aggregate classification.

Dr. Peter K. Rogan Lab, Western University
No classification provided (evidence only). Condition: Melanoma. Review status: no classification provided. Collection method: in vitro. Allele origin: not applicable. Functional consequence: skipped exon. Not counted in ClinVar's aggregate classification.

Dr. Peter K. Rogan Lab, Western University
No classification provided (evidence only). Condition: Melanoma. Review status: no classification provided. Collection method: in vitro. Allele origin: not applicable. Functional consequence: skipped exon. Not counted in ClinVar's aggregate classification.

Dr. Peter K. Rogan Lab, Western University
No classification provided (evidence only). Condition: Melanoma. Review status: no classification provided. Collection method: in vitro. Allele origin: not applicable. Functional consequence: skipped exon. Not counted in ClinVar's aggregate classification.

Dr. Peter K. Rogan Lab, Western University
No classification provided (evidence only). Condition: Acute myeloid leukemia. Review status: no classification provided. Collection method: in vitro. Allele origin: not applicable. Functional consequence: skipped exon, retained intron. Not counted in ClinVar's aggregate classification.

Dr. Peter K. Rogan Lab, Western University
No classification provided (evidence only). Condition: Acute myeloid leukemia. Review status: no classification provided. Collection method: in vitro. Allele origin: not applicable. Functional consequence: skipped exon, retained intron. Not counted in ClinVar's aggregate classification.

Dr. Peter K. Rogan Lab, Western University
No classification provided (evidence only). Condition: Acute myeloid leukemia. Review status: no classification provided. Collection method: in vitro. Allele origin: not applicable. Functional consequence: skipped exon. Not counted in ClinVar's aggregate classification.

Dr. Peter K. Rogan Lab, Western University
No classification provided (evidence only). Condition: Acute myeloid leukemia. Review status: no classification provided. Collection method: in vitro. Allele origin: not applicable. Functional consequence: skipped exon. Not counted in ClinVar's aggregate classification.

Dr. Peter K. Rogan Lab, Western University
No classification provided (evidence only). Condition: Acute myeloid leukemia. Review status: no classification provided. Collection method: in vitro. Allele origin: not applicable. Functional consequence: skipped exon, retained intron. Not counted in ClinVar's aggregate classification.

Dr. Peter K. Rogan Lab, Western University
No classification provided (evidence only). Condition: Colon adenocarcinoma. Review status: no classification provided. Collection method: in vitro. Allele origin: not applicable. Functional consequence: skipped exon. Not counted in ClinVar's aggregate classification.